The following is an entry in ClinVar:

ClinVar aggregate classification (germline): Uncertain significance (1 of 4 stars; one submission).

Submission:

GeneDx
Classification: Uncertain significance. Last evaluated: 2026-01-29. Review status: criteria provided, single submitter. Criteria: GeneDx Variant Classification Process June 2021. Collection method: clinical testing. Allele origin: germline.
Comment: Not observed at significant frequency in large population cohorts (gnomAD); In silico analysis supports a deleterious effect on protein structure/function; Has not been previously published as pathogenic or benign to our knowledge

NM_003922.4(HERC1):c.11039_11040delinsCG (p.Leu3680Pro)

Gene: HERC1 (HECT and RLD domain containing E3 ubiquitin protein ligase family member 1; minus strand). Cytogenetic location: 15q22.31.
Variant type: Indel.
Coding change: c.11039_11040delinsCG on transcript NM_003922.4 (MANE Select); coding-DNA positions 11039 to 11040, TT replaced by CG.
Protein change: p.Leu3680Pro; replaces leucine 3680 with proline.
Molecular consequence: missense variant.
Genome position (GRCh38, 1-based): chr15:63,645,521-63,645,522, AA replaced by CG on the plus strand (TT replaced by CG on the coding strand, the reverse complement: HERC1 is on the minus strand). VCF-style: chr15-63645521-AA-CG. GRCh37 (hg19) VCF-style: chr15-63937720-AA-CG.
Other names: short protein forms L3680P.
Identifiers: ClinVar variation 4975642 (VCV004975642.1).